The following is an entry in ClinVar:

NM_000441.2(SLC26A4):c.67_69delinsCTTGTAGATGGCCGTCATCTCC (p.Ser23fs)

Genes: SLC26A4 (solute carrier family 26 member 4; plus strand), SLC26A4-AS1 (SLC26A4 antisense RNA 1; minus strand). Cytogenetic location: 7q22.3.
Variant type: Indel.
Coding change: c.67_69delinsCTTGTAGATGGCCGTCATCTCC on transcript NM_000441.2 (MANE Select); coding-DNA positions 67 to 69, TCG replaced by CTTGTAGATGGCCGTCATCTCC.
Protein change: p.Ser23fs; shifts the reading frame from serine 23.
Molecular consequence: frameshift variant. On other transcripts: non-coding transcript variant (1).
Genome position (GRCh38, 1-based): chr7:107,661,708-107,661,710, TCG replaced by CTTGTAGATGGCCGTCATCTCC. VCF-style: chr7-107661708-TCG-CTTGTAGATGGCCGTCATCTCC. GRCh37 (hg19) VCF-style: chr7-107302153-TCG-CTTGTAGATGGCCGTCATCTCC.
Other names: short protein forms S23fs.
Identifiers: ClinVar variation 5011246 (VCV005011246.1).

ClinVar aggregate classification (germline): Pathogenic (1 of 4 stars; one submission).

Conditions:
Pendred syndrome (PDS). Also called: DEAFNESS WITH GOITER; GOITER-DEAFNESS SYNDROME; HYPOTHYROIDISM, CONGENITAL, DUE TO DYSHORMONOGENESIS, 2B; THYROID DYSHORMONOGENESIS 2B; THYROID HORMONOGENESIS, GENETIC DEFECT IN, 2B; Pendred's syndrome. Identifiers: Orphanet 705, MedGen C0271829, MONDO:0010134, OMIM 274600.

Submission:

Myriad Genetics, Inc.
Classification: Pathogenic for Pendred syndrome. Last evaluated: 2023-08-06. Review status: criteria provided, single submitter. Criteria: Myriad Autosomal Dominant, Autosomal Recessive and X-Linked Classification Criteria (2023). Collection method: clinical testing. Allele origin: unknown.
Comment: NM_000441.1(SLC26A4):c.67_69del3ins22(S23Lfs*70) is expected to be pathogenic in the context of Pendred syndrome. This variant is predicted to lead to an abnormal or absent protein product due to the creation of a premature termination codon in SLC26A4, a gene where loss-of-function variants are known to be pathogenic. Please note: this variant was assessed in the context of healthy population screening.